The following is an entry in ClinVar:

ClinVar aggregate classification (germline): Uncertain significance (1 of 4 stars; one submission).

Conditions:
Congenital contractural arachnodactyly (CCA). Also called: BEALS SYNDROME; Arthrogryposis, distal, type 9; Beals-Hecht syndrome. Identifiers: Orphanet 115, MedGen C0220668, MONDO:0007363, OMIM 121050.

Submission:

Labcorp Genetics (formerly Invitae), Labcorp
Classification: Uncertain significance for Congenital contractural arachnodactyly. Last evaluated: 2025-10-01. Review status: criteria provided, single submitter. Criteria: Invitae Variant Classification Sherloc (09022015). Collection method: clinical testing. Allele origin: germline.
Comment: This sequence change replaces threonine, which is neutral and polar, with alanine, which is neutral and non-polar, at codon 2858 of the FBN2 protein (p.Thr2858Ala). This variant is not present in population databases (gnomAD no frequency). This variant has not been reported in the literature in individuals affected with FBN2-related conditions. Invitae Evidence Modeling of protein sequence and biophysical properties (such as structural, functional, and spatial information, amino acid conservation, physicochemical variation, residue mobility, and thermodynamic stability) indicates that this missense variant is not expected to disrupt FBN2 protein function with a negative predictive value of 80%. In summary, the available evidence is currently insufficient to determine the role of this variant in disease. Therefore, it has been classified as a Variant of Uncertain Significance.

NM_001999.4(FBN2):c.8572A>G (p.Thr2858Ala)

Gene: FBN2 (fibrillin 2; minus strand). Cytogenetic location: 5q23.3.
Variant type: single nucleotide variant.
Coding change: c.8572A>G on transcript NM_001999.4 (MANE Select); coding-DNA position 8572, A replaced by G.
Protein change: p.Thr2858Ala; replaces threonine 2858 with alanine.
Molecular consequence: missense variant.
Genome position (GRCh38, 1-based): chr5:128,259,622, T>C on the plus strand (A>G on the coding strand, the complement: FBN2 is on the minus strand). VCF-style: chr5-128259622-T-C. GRCh37 (hg19) VCF-style: chr5-127595314-T-C.
Other names: short protein forms T2858A.
Identifiers: ClinVar variation 4742786 (VCV004742786.1).